The following is an entry in ClinVar:

ClinVar aggregate classification (germline): Likely benign (0 of 4 stars; one submission).

Conditions:
PRKCI-related disorder. Also called: PRKCI-related condition.

Allele frequency attached by ClinVar (database versions not stated): 1000 Genomes Project 0.00060; 1000 Genomes Project 30x 0.00078; TOPMed 0.00092; ExAC 0.00117; gnomAD 0.00125; ESP Exome Variant Server 0.00161.
gnomAD v4.1: 2,709 of 1,613,126 alleles (0.17%); highest among the groups gnomAD compares: Non-Finnish European, 0.2%; no homozygotes.

Submission:

PreventionGenetics, part of Exact Sciences
Classification: Likely benign for PRKCI-related condition. Last evaluated: 2019-06-10. Review status: no assertion criteria provided. Collection method: clinical testing. Allele origin: germline.
Comment: This variant is classified as likely benign based on ACMG/AMP sequence variant interpretation guidelines (Richards et al. 2015 PMID: 25741868, with internal and published modifications).

NM_002740.6(PRKCI):c.897A>C (p.Val299=)

Gene: PRKCI (protein kinase C iota; plus strand). Cytogenetic location: 3q26.2.
Variant type: single nucleotide variant.
Coding change: c.897A>C on transcript NM_002740.6 (MANE Select); coding-DNA position 897, A replaced by C.
Protein change: p.Val299=; no amino-acid change (valine 299 retained).
Molecular consequence: synonymous variant.
Genome position (GRCh38, 1-based): chr3:170,281,180, A>C. VCF-style: chr3-170281180-A-C. GRCh37 (hg19) VCF-style: chr3-169998968-A-C.
Identifiers: ClinVar variation 3033589 (VCV003033589.2), dbSNP rs138910174, ClinGen allele CA2700631.